The following is an entry in ClinVar:

NM_001378418.1(TCF20):c.2760G>T (p.Lys920Asn)

Gene: TCF20 (transcription factor 20; minus strand). Cytogenetic location: 22q13.2.
Variant type: single nucleotide variant.
Coding change: c.2760G>T on transcript NM_001378418.1 (MANE Select); coding-DNA position 2760, G replaced by T.
Protein change: p.Lys920Asn; replaces lysine 920 with asparagine.
Molecular consequence: missense variant.
Genome position (GRCh38, 1-based): chr22:42,212,546, C>A on the plus strand (G>T on the coding strand, the complement: TCF20 is on the minus strand). VCF-style: chr22-42212546-C-A. GRCh37 (hg19) VCF-style: chr22-42608552-C-A.
Other names: c.2760G>T, p.Lys920Asn (NM_005650.4, NM_181492.3); short protein forms K920N.
Identifiers: ClinVar variation 1523342 (VCV001523342.6), dbSNP rs995451296, ClinGen allele CA324700791.

ClinVar aggregate classification (germline): Uncertain significance (1 of 4 stars; one submission).

gnomAD v4.1: 6 of 1,613,964 alleles (0.00037%); highest among the groups gnomAD compares: Non-Finnish European, 0.00051%; no homozygotes.

Submission:

Labcorp Genetics (formerly Invitae), Labcorp
Classification: Uncertain significance. Last evaluated: 2021-03-23. Review status: criteria provided, single submitter. Criteria: Invitae Variant Classification Sherloc (09022015). Collection method: clinical testing. Allele origin: germline.
Comment: This sequence change replaces lysine with asparagine at codon 920 of the TCF20 protein (p.Lys920Asn). The lysine residue is moderately conserved and there is a moderate physicochemical difference between lysine and asparagine. This variant is not present in population databases (ExAC no frequency). This variant has been observed in individual(s) with syndromic intellectual disability (Invitae). Algorithms developed to predict the effect of missense changes on protein structure and function are either unavailable or do not agree on the potential impact of this missense change (SIFT: "Deleterious"; PolyPhen-2: "Probably Damaging"; Align-GVGD: "Class C0"). In summary, the available evidence is currently insufficient to determine the role of this variant in disease. Therefore, it has been classified as a Variant of Uncertain Significance.